The following is an entry in ClinVar:

ClinVar aggregate classification (germline): Uncertain significance (1 of 4 stars; one submission).

Conditions:
Temtamy syndrome (TEMTYS). Also called: MENTAL RETARDATION WITH OR WITHOUT CRANIOFACIAL DYSMORPHISM, OCULAR COLOBOMA, OR ABNORMAL CORPUS CALLOSUM. Identifiers: Orphanet 1777, MedGen C1857512, MONDO:0009033, OMIM 218340.

Allele frequency attached by ClinVar (database versions not stated): TOPMed 0.00001; gnomAD exomes 0.00002 and 0.00006; ExAC 0.00004.
gnomAD v4.1: 13 of 1,613,804 alleles (0.00081%); highest among the groups gnomAD compares: Admixed American, 0.022%; no homozygotes.

Submission:

Labcorp Genetics (formerly Invitae), Labcorp
Classification: Uncertain significance for Temtamy syndrome. Last evaluated: 2025-01-06. Review status: criteria provided, single submitter. Criteria: Invitae Variant Classification Sherloc (09022015). Collection method: clinical testing. Allele origin: germline.
Comment: This sequence change replaces alanine, which is neutral and non-polar, with threonine, which is neutral and polar, at codon 90 of the C12orf57 protein (p.Ala90Thr). This variant is present in population databases (rs781915786, gnomAD 0.02%). This variant has not been reported in the literature in individuals affected with C12orf57-related conditions. ClinVar contains an entry for this variant (Variation ID: 1681838). An algorithm developed to predict the effect of missense changes on protein structure and function (PolyPhen-2) suggests that this variant¬†is likely to be tolerated. In summary, the available evidence is currently insufficient to determine the role of this variant in disease. Therefore, it has been classified as a Variant of Uncertain Significance.

NM_138425.4(C12orf57):c.268G>A (p.Ala90Thr)

Gene: C12orf57 (chromosome 12 open reading frame 57; plus strand). Cytogenetic location: 12p13.31.
Variant type: single nucleotide variant.
Coding change: c.268G>A on transcript NM_138425.4 (MANE Select); coding-DNA position 268, G replaced by A.
Protein change: p.Ala90Thr; replaces alanine 90 with threonine.
Molecular consequence: missense variant. On other transcripts: non-coding transcript variant (1).
Genome position (GRCh38, 1-based): chr12:6,945,809, G>A. VCF-style: chr12-6945809-G-A. GRCh37 (hg19) VCF-style: chr12-7054972-G-A.
Other names: c.268G>A, p.Ala90Thr (NM_001301834.1); c.229G>A, p.Ala77Thr (NM_001301836.2); c.181G>A, p.Ala61Thr (NM_001301837.2); c.163G>A, p.Ala55Thr (NM_001301838.2); short protein forms A55T, A61T, A77T, A90T.
Identifiers: ClinVar variation 1681838 (VCV001681838.6), dbSNP rs781915786, ClinGen allele CA6421343.